The following is an entry in ClinVar:

ClinVar aggregate classification (germline): Pathogenic. Review status: criteria provided, multiple submitters, no conflicts (2 of 4 stars). 4 submissions from 4 submitters: Pathogenic (4). Last evaluated 2024-09-12.

Conditions:
Polycystic kidney disease, adult type (PKD1). Also called: POLYCYSTIC KIDNEY DISEASE, ADULT, TYPE I; Polycystic Kidney Disease 1, Autosomal Dominant; Polycystic kidney disease 1; Polycystic kidney disease 1, severe; Polycystic Kidney, Autosomal Dominant; POLYCYSTIC KIDNEY DISEASE 1 WITH OR WITHOUT POLYCYSTIC LIVER DISEASE. Identifiers: MedGen C3149841, MONDO:0008263, OMIM 173900.
Inborn genetic diseases. Identifiers: MedGen C0950123, MeSH D030342.
PKD1-related disorder. Also called: PKD1-related condition.

Submissions (4):

Department of Pathology and Laboratory Medicine, Sinai Health System
Classification: Pathogenic for Polycystic kidney disease, adult type. Last evaluated: 2024-09-12. Review status: criteria provided, single submitter. Criteria: ACMG Guidelines, 2015. Collection method: clinical testing. Allele origin: germline.

Blueprint Genetics
Classification: Pathogenic for PKD1-related disorders. Last evaluated: 2023-06-07. Review status: criteria provided, single submitter. Criteria: ACMG Guidelines, 2015. Collection method: clinical testing. Allele origin: germline. Affected: yes. Observed: 2 variant alleles.

Ambry Genetics
Classification: Pathogenic for Inborn genetic diseases. Last evaluated: 2022-12-13. Review status: criteria provided, single submitter. Criteria: Ambry Variant Classification Scheme 2023. Collection method: clinical testing. Allele origin: germline.
Comment: The c.9340C>T (p.Q3114*) alteration, located in exon 26 (coding exon 26) of the PKD1 gene, consists of a C to T substitution at nucleotide position 9340. This changes the amino acid from a glutamine (Q) to a stop codon at amino acid position 3114. This alteration is expected to result in loss of function by premature protein truncation or nonsense-mediated mRNA decay. This variant was not reported in population-based cohorts in the Genome Aggregation Database (gnomAD). This variant was identified in several individuals with autosomal dominant polycystic kidney disease and was reported to segregate with disease in one family (Neumann, 2013; Choi, 2014; Al Alawi, 2019). Based on the available evidence, this alteration is classified as pathogenic.

Juno Genomics, Hangzhou Juno Genomics, Inc
Classification: Pathogenic for Polycystic kidney disease, adult type. Review status: criteria provided, single submitter. Criteria: ACMG Guidelines, 2015. Collection method: clinical testing. Allele origin: germline. Affected: yes.
Comment: Null variant in a gene where loss of function (LOF) is a known mechanism of disease.;Absent from controls (or at extremely low frequency if recessive) in Genome Aggregation Database, Exome Sequencing Project, 1000 Genomes Project, or Exome Aggregation Consortium.;Patient's phenotype or family history is highly specific for a disease with a single genetic etiology.;The prevalence of the variant in affected individuals is significantly increased compared to the prevalence in controls.

Literature cited by the submitters: PubMed 25491204 (cited by Department of Pathology and Laboratory Medicine, Sinai Health System and Ambry Genetics); PubMed 23300259 (cited by Department of Pathology and Laboratory Medicine, Sinai Health System and Ambry Genetics); PubMed 31844813 (cited by Ambry Genetics).

NM_001009944.3(PKD1):c.9340C>T (p.Gln3114Ter)

Gene: PKD1 (polycystin 1, transient receptor potential channel interacting; minus strand). Cytogenetic location: 16p13.3.
Variant type: single nucleotide variant.
Coding change: c.9340C>T on transcript NM_001009944.3 (MANE Select); coding-DNA position 9340, C replaced by T.
Protein change: p.Gln3114Ter; replaces glutamine 3114 with a stop codon.
Molecular consequence: nonsense.
Genome position (GRCh38, 1-based): chr16:2,102,118, G>A on the plus strand (C>T on the coding strand, the complement: PKD1 is on the minus strand). VCF-style: chr16-2102118-G-A. GRCh37 (hg19) VCF-style: chr16-2152119-G-A.
Other names: c.9340C>T, p.Gln3114Ter (NM_000296.4); short protein forms Q3114*.
Identifiers: ClinVar variation 2328900 (VCV002328900.6), dbSNP rs2544730146, ClinGen allele CA394357806.
Genomic context (GRCh38, chr16:2,102,118, plus strand): 5'-CACCTGAGCCCCGGCCCCAGCCTGTCTTGACGAGGATCTCGTACTTGAAGCGGCCCCGCT[G>A]CCCACAGAAAGGGATGGCGCGGCCCCGGCTGGCATCCAACTGGTCCAGCTTGTGCAGGAT-3'